The following is an entry in ClinVar:

ClinVar aggregate classification (germline): Likely benign. Review status: criteria provided, multiple submitters, no conflicts (2 of 4 stars). 3 submissions from 3 submitters: Likely benign (2). 1 of the submissions does not count toward it. Last evaluated 2024-09-30.

Conditions:
RRAS-related disorder. Also called: RRAS-related condition.
Noonan syndrome (NS). Also called: Noonan's syndrome. Identifiers: Orphanet 648, MedGen C0028326, MeSH D009634, MONDO:0018997. Disease mechanism: gain of function.

Allele frequency attached by ClinVar (database versions not stated): ExAC 0.00005; gnomAD exomes 0.00005; ESP Exome Variant Server 0.00008; TOPMed 0.00011.

Submissions (3):

Labcorp Genetics (formerly Invitae), Labcorp
Classification: Likely benign for Noonan syndrome. Last evaluated: 2024-09-30. Review status: criteria provided, single submitter. Criteria: Invitae Variant Classification Sherloc (09022015). Collection method: clinical testing. Allele origin: germline.

Ambry Genetics
Classification: Likely benign. Last evaluated: 2020-08-30. Review status: criteria provided, single submitter. Criteria: Ambry Variant Classification Scheme 2023. Collection method: clinical testing. Allele origin: germline.

PreventionGenetics, part of Exact Sciences
Classification: Likely benign for RRAS-related condition. Last evaluated: 2019-05-07. Review status: no assertion criteria provided. Collection method: clinical testing. Allele origin: germline. Not counted in ClinVar's aggregate classification.
Comment: This variant is classified as likely benign based on ACMG/AMP sequence variant interpretation guidelines (Richards et al. 2015 PMID: 25741868, with internal and published modifications).

NM_006270.5(RRAS):c.645C>T (p.Cys215=)

Gene: RRAS (RAS related; minus strand). Cytogenetic location: 19q13.33.
Variant type: single nucleotide variant.
Coding change: c.645C>T on transcript NM_006270.5 (MANE Select); coding-DNA position 645, C replaced by T.
Protein change: p.Cys215=; no amino-acid change (cysteine 215 retained).
Molecular consequence: synonymous variant.
Genome position (GRCh38, 1-based): chr19:49,635,588, G>A on the plus strand (C>T on the coding strand, the complement: RRAS is on the minus strand). VCF-style: chr19-49635588-G-A. GRCh37 (hg19) VCF-style: chr19-50138845-G-A.
Other names: c.645C>T (NM_006270.4).
Identifiers: ClinVar variation 1665914 (VCV001665914.12), dbSNP rs149038492, ClinGen allele CA9578922.
Genomic context (GRCh38, chr19:49,635,588, plus strand): 5'-GGCAGCTAGTCCCGAGAGCTTGTGGTGGTTGCTTCTCTCTTGCCTGGGCTACAGGAGGAC[G>A]CAGGGGCAGCCCCCGCCCTTCTTCCTGGGGGCACTGGGAGGGCTCGGTGGGAGCTCTTGT-3'
Protein context (NP_006261.1, residues 205-218): APRKKGGGCP[Cys215=]VLL